The following is an entry in ClinVar:

NM_001008537.3(NEXMIF):c.3487T>A (p.Ser1163Thr)

Gene: NEXMIF (neurite extension and migration factor; minus strand). Cytogenetic location: Xq13.3.
Variant type: single nucleotide variant.
Coding change: c.3487T>A on transcript NM_001008537.3 (MANE Select); coding-DNA position 3487, T replaced by A.
Protein change: p.Ser1163Thr; replaces serine 1163 with threonine.
Molecular consequence: missense variant.
Genome position (GRCh38, 1-based): chrX:74,741,070, A>T on the plus strand (T>A on the coding strand, the complement: NEXMIF is on the minus strand). VCF-style: chrX-74741070-A-T. GRCh37 (hg19) VCF-style: chrX-73960905-A-T.
Other names: short protein forms S1163T.
Identifiers: ClinVar variation 4056649 (VCV004056649.1).

ClinVar aggregate classification (germline): Uncertain significance (1 of 4 stars; one submission).

Conditions:
X-linked intellectual disability, Cantagrel type (XLID98). Also called: INTELLECTUAL DEVELOPMENTAL DISORDER, X-LINKED 98. Identifiers: Orphanet 85277, MedGen C3806730, MONDO:0010483, OMIM 300912.

Submission:

Laboratorio de Genetica e Diagnostico Molecular, Hospital Israelita Albert Einstein
Classification: Uncertain significance for X-linked intellectual disability, Cantagrel type. Last evaluated: 2025-01-31. Review status: criteria provided, single submitter. Criteria: ACMG Guidelines, 2015. Collection method: clinical testing. Allele origin: germline. Affected: yes.
Comment: ACMG classification criteria: PM2 supporting, BP4 supporting